The following is an entry in ClinVar:

NM_000548.5(TSC2):c.3638A>T (p.Glu1213Val)

Gene: TSC2 (TSC complex subunit 2; plus strand). Cytogenetic location: 16p13.3.
Variant type: single nucleotide variant.
Coding change: c.3638A>T on transcript NM_000548.5 (MANE Select); coding-DNA position 3638, A replaced by T.
Protein change: p.Glu1213Val; replaces glutamic acid 1213 with valine.
Molecular consequence: missense variant.
Genome position (GRCh38, 1-based): chr16:2,081,622, A>T. VCF-style: chr16-2081622-A-T. GRCh37 (hg19) VCF-style: chr16-2131623-A-T.
Other names: c.3506A>T, p.Glu1169Val (NM_001077183.3, NM_001370404.1); c.3638A>T, p.Glu1213Val (NM_001114382.3); c.3398A>T, p.Glu1133Val (NM_001318827.2); c.3362A>T, p.Glu1121Val (NM_001318829.2); c.2906A>T, p.Glu969Val (NM_001318831.2); c.3539A>T, p.Glu1180Val (NM_001318832.2); c.3509A>T, p.Glu1170Val (NM_001363528.2, NM_001370405.1, NM_021055.3); short protein forms E1213V, E1121V, E1170V, E969V, E1169V, E1133V, E1180V.
Identifiers: ClinVar variation 535985 (VCV000535985.10), dbSNP rs1555512322, ClinGen allele CA394291819.

ClinVar aggregate classification (germline): Uncertain significance (1 of 4 stars; one submission).

Conditions:
Tuberous sclerosis 2 (TSC2). Identifiers: Orphanet 805, MedGen C1860707, MONDO:0013199, OMIM 613254.

Submission:

Labcorp Genetics (formerly Invitae), Labcorp
Classification: Uncertain significance for Tuberous sclerosis 2. Last evaluated: 2020-01-16. Review status: criteria provided, single submitter. Criteria: Invitae Variant Classification Sherloc (09022015). Collection method: clinical testing. Allele origin: germline.
Comment: This variant has not been reported in the literature in individuals with TSC2-related disease. This variant is not present in population databases (ExAC no frequency). This sequence change replaces glutamic acid with valine at codon 1213 of the TSC2 protein (p.Glu1213Val). The glutamic acid residue is highly conserved and there is a moderate physicochemical difference between glutamic acid and valine. Algorithms developed to predict the effect of missense changes on protein structure and function do not agree on the potential impact of this missense change (SIFT: "Deleterious"; PolyPhen-2: "Probably Damaging"; Align-GVGD: "Class C0"). In summary, the available evidence is currently insufficient to determine the role of this variant in disease. Therefore, it has been classified as a Variant of Uncertain Significance. Algorithms developed to predict the effect of sequence changes on RNA splicing suggest that this variant may create or strengthen a splice site, but this prediction has not been confirmed by published transcriptional studies.